The following is an entry in ClinVar:

ClinVar aggregate classification (germline): Uncertain significance (1 of 4 stars; one submission).

Conditions:
Lethal congenital glycogen storage disease of heart. Also called: GLYCOGEN STORAGE DISEASE OF HEART; PHOSPHORYLASE KINASE DEFICIENCY OF HEART. Identifiers: Orphanet 439854, MedGen C1849813, MONDO:0009867, OMIM 261740.

gnomAD v4.1: 7 of 1,402,102 alleles (0.0005%); highest among the groups gnomAD compares: South Asian, 0.0028%; no homozygotes.

Submission:

Labcorp Genetics (formerly Invitae), Labcorp
Classification: Uncertain significance for Lethal congenital glycogen storage disease of heart. Last evaluated: 2021-12-21. Review status: criteria provided, single submitter. Criteria: Invitae Variant Classification Sherloc (09022015). Collection method: clinical testing. Allele origin: germline.
Comment: This variant has not been reported in the literature in individuals affected with PRKAG2-related conditions. Advanced modeling of protein sequence and biophysical properties (such as structural, functional, and spatial information, amino acid conservation, physicochemical variation, residue mobility, and thermodynamic stability) performed at Invitae indicates that this missense variant is not expected to disrupt PRKAG2 protein function. In summary, the available evidence is currently insufficient to determine the role of this variant in disease. Therefore, it has been classified as a Variant of Uncertain Significance. This variant is not present in population databases (gnomAD no frequency). This sequence change replaces alanine, which is neutral and non-polar, with valine, which is neutral and non-polar, at codon 233 of the PRKAG2 protein (p.Ala233Val).

NM_016203.4(PRKAG2):c.698C>T (p.Ala233Val)

Genes: PRKAG2 (protein kinase AMP-activated non-catalytic subunit gamma 2; minus strand), LOC129999660 (ATAC-STARR-seq lymphoblastoid silent region 18823; plus strand). Cytogenetic location: 7q36.1.
Variant type: single nucleotide variant.
Coding change: c.698C>T on transcript NM_016203.4 (MANE Select); coding-DNA position 698, C replaced by T.
Protein change: p.Ala233Val; replaces alanine 233 with valine.
Molecular consequence: missense variant. On other transcripts: 5 prime UTR variant (2).
Genome position (GRCh38, 1-based): chr7:151,632,125, G>A on the plus strand (C>T on the coding strand, the complement: PRKAG2 is on the minus strand). VCF-style: chr7-151632125-G-A. GRCh37 (hg19) VCF-style: chr7-151329211-G-A.
Other names: c.566C>T, p.Ala189Val (NM_001040633.2, NM_001407024.1, NM_001407026.1 and 1 more transcripts); c.326C>T, p.Ala109Val (NM_001304527.2, NM_001363698.2, NM_001407028.1 and 1 more transcripts); c.-26C>T (NM_001304531.2, NM_001407034.1, NM_001407035.1 and 4 more transcripts); c.698C>T, p.Ala233Val (NM_001407021.1, NM_001407022.1, NM_001407023.1); c.380C>T, p.Ala127Val (NM_001407032.1); c.374C>T, p.Ala125Val (NM_001407033.1); c.26C>T, p.Ala9Val (NM_001407038.1); short protein forms A109V, A125V, A127V, A189V, A233V, A9V.
Identifiers: ClinVar variation 2415633 (VCV002415633.7), dbSNP rs201240745, ClinGen allele CA370071356.
Genomic context (GRCh38, chr7:151,632,125, plus strand): 5'-TCACCTTCGTCCTCGAACTCCAGCTTCTCCAGCATGCCGGCTTCCGCGGGTCCCAGGGCC[G>A]CCGCCAGCGCCGCCTGAGGGGGAGGAGGAGGACAGCGATCAGCATGAGCTGCGACGCTCG-3'
Protein context (NP_057287.2, residues 223-243): YAPSKAAALA[Ala233Val]ALGPAEAGML